The following is an entry in ClinVar:

ClinVar aggregate classification (germline): Conflicting classifications of pathogenicity. Review status: criteria provided, conflicting classifications (1 of 4 stars). 2 submissions from 2 submitters: Uncertain significance (1); Likely benign (1). Last evaluated 2025-12-01.

Conditions:
KMT2A-related disorder. Also called: KMT2A-related condition.

Allele frequency attached by ClinVar (database versions not stated): ExAC 0.00002; gnomAD exomes 0.00002; gnomAD 0.00005; TOPMed 0.00009.
gnomAD v4.1: 37 of 1,611,384 alleles (0.0023%); highest among the groups gnomAD compares: African/African-American, 0.017%; no homozygotes.

Submissions (2):

Labcorp Genetics (formerly Invitae), Labcorp
Classification: Uncertain significance. Last evaluated: 2025-12-01. Review status: criteria provided, single submitter. Criteria: Invitae Variant Classification Sherloc (09022015). Collection method: clinical testing. Allele origin: germline.
Comment: This sequence change falls in intron 2 of the KMT2A gene. It does not directly change the encoded amino acid sequence of the KMT2A protein. It affects a nucleotide within the consensus splice site. This variant is present in population databases (rs782195145, gnomAD 0.01%). This variant has not been reported in the literature in individuals affected with KMT2A-related conditions. ClinVar contains an entry for this variant (Variation ID: 1905558). Variants that disrupt the consensus splice site are a relatively common cause of aberrant splicing (PMID: 17576681, 9536098). Algorithms developed to predict the effect of sequence changes on RNA splicing suggest that this variant is not likely to affect RNA splicing. In summary, the available evidence is currently insufficient to determine the role of this variant in disease. Therefore, it has been classified as a Variant of Uncertain Significance.

PreventionGenetics, part of Exact Sciences
Classification: Likely benign for KMT2A-related condition. Last evaluated: 2025-05-05. Review status: criteria provided, single submitter. Criteria: ACMG Guidelines, 2015. Collection method: clinical testing. Allele origin: germline.
Comment: This variant is classified as likely benign based on ACMG/AMP sequence variant interpretation guidelines (Richards et al. 2015 PMID: 25741868, with internal and published modifications).

Literature cited by the submitters: PubMed 17576681 (cited by Labcorp Genetics (formerly Invitae), Labcorp); PubMed 9536098 (cited by Labcorp Genetics (formerly Invitae), Labcorp).

NM_001197104.2(KMT2A):c.502+4C>T

Gene: KMT2A (lysine methyltransferase 2A; plus strand). Cytogenetic location: 11q23.3.
Variant type: single nucleotide variant.
Coding change: c.502+4C>T on transcript NM_001197104.2 (MANE Select); 4 bases into the intron after coding-DNA position 502, C replaced by T.
Molecular consequence: intron variant.
Genome position (GRCh38, 1-based): chr11:118,468,848, C>T. VCF-style: chr11-118468848-C-T. GRCh37 (hg19) VCF-style: chr11-118339563-C-T.
Other names: c.502+4C>T (NM_001197104.1, NM_005933.4).
Identifiers: ClinVar variation 1905558 (VCV001905558.6), dbSNP rs782195145, ClinGen allele CA6303301.
Genomic context (GRCh38, chr11:118,468,848, plus strand): 5'-TAGGTTTTGGCTCAGATGAAGAAGTCAGAGTGCGAAGTCCCACAAGGTCTCCTTCAGGTA[C>T]GGCCAATTAAGTGCATGGTGCCTTTTAAGTTTTGTTTGTTAGGAGATTGTGGCTTCCTCT-3'